The following is an entry in ClinVar:

ClinVar aggregate classification (germline): Uncertain significance (1 of 4 stars; one submission).

Submission:

GeneDx
Classification: Uncertain significance. Last evaluated: 2024-07-23. Review status: criteria provided, single submitter. Criteria: GeneDx Variant Classification Process June 2021. Collection method: clinical testing. Allele origin: germline. Affected: yes.
Comment: Not observed at significant frequency in large population cohorts (gnomAD); In silico analysis supports that this missense variant has a deleterious effect on protein structure/function; Has not been previously published as pathogenic or benign to our knowledge

NM_001395159.1(UNC79):c.3374G>T (p.Gly1125Val)

Gene: UNC79 (unc-79 homolog, NALCN channel complex subunit; plus strand). Cytogenetic location: 14q32.12.
Variant type: single nucleotide variant.
Coding change: c.3374G>T on transcript NM_001395159.1 (MANE Select); coding-DNA position 3374, G replaced by T.
Protein change: p.Gly1125Val; replaces glycine 1125 with valine.
Molecular consequence: missense variant.
Genome position (GRCh38, 1-based): chr14:93,600,570, G>T. VCF-style: chr14-93600570-G-T. GRCh37 (hg19) VCF-style: chr14-94066916-G-T.
Other names: c.3374G>T, p.Gly1125Val (NM_001346218.2); c.2843G>T, p.Gly948Val (NM_020818.5); short protein forms G1125V, G948V.
Identifiers: ClinVar variation 3600783 (VCV003600783.1).